The following is an entry in ClinVar:

NM_000548.5(TSC2):c.431A>T (p.Lys144Met)

Gene: TSC2 (TSC complex subunit 2; plus strand). Cytogenetic location: 16p13.3.
Variant type: single nucleotide variant.
Coding change: c.431A>T on transcript NM_000548.5 (MANE Select); coding-DNA position 431, A replaced by T.
Protein change: p.Lys144Met; replaces lysine 144 with methionine.
Molecular consequence: missense variant. On other transcripts: non-coding transcript variant (5), intron variant (6), 5 prime UTR variant (14).
Genome position (GRCh38, 1-based): chr16:2,054,390, A>T. VCF-style: chr16-2054390-A-T. GRCh37 (hg19) VCF-style: chr16-2104391-A-T.
Other names: c.-1-1806A>T (NM_001406682.1, NM_001406684.1, NM_001406685.1 and 3 more transcripts); c.-386A>T (NM_001406683.1, NM_001406687.1, NM_001406680.1); c.-1001A>T (NM_001406689.1, NM_001406690.1, NM_001406691.1 and 2 more transcripts); c.-1217A>T (NM_001406693.1); c.-882A>T (NM_001406694.1, NM_001406695.1); c.-989A>T (NM_001406696.1); c.-1177A>T (NM_001406698.1); c.431A>T, p.Lys144Met (NM_021055.3, NM_001077183.3, NM_001114382.3 and 8 more transcripts); and 6 more; short protein forms K107M, K125M, K144M, K155M, K174M, K95M.
Identifiers: ClinVar variation 2502037 (VCV002502037.5), dbSNP rs769286175, ClinGen allele CA394307335.

ClinVar aggregate classification (germline): Uncertain significance. Review status: criteria provided, multiple submitters, no conflicts (2 of 4 stars). 3 submissions from 3 submitters: Uncertain significance (3). Last evaluated 2026-03-18.

Conditions:
Hereditary cancer-predisposing syndrome. Also called: Neoplastic Syndromes, Hereditary; Tumor predisposition; Hereditary Cancer Syndrome; Hereditary neoplastic syndrome. Identifiers: Orphanet 140162, MedGen C0027672, MeSH D009386, MONDO:0015356.
Tuberous sclerosis 2 (TSC2). Identifiers: Orphanet 805, MedGen C1860707, MONDO:0013199, OMIM 613254.

Submissions (3):

Ambry Genetics
Classification: Uncertain significance for Hereditary cancer-predisposing syndrome. Last evaluated: 2026-03-18. Review status: criteria provided, single submitter. Criteria: Ambry Variant Classification Scheme 2023. Collection method: clinical testing. Allele origin: germline.
Comment: The p.K144M variant (also known as c.431A>T), located in coding exon 4 of the TSC2 gene, results from an A to T substitution at nucleotide position 431. The lysine at codon 144 is replaced by methionine, an amino acid with similar properties. This amino acid position is conserved. In addition, this alteration is predicted to be deleterious by in silico analysis. Based on the available evidence, the clinical significance of this variant remains unclear.

Labcorp Genetics (formerly Invitae), Labcorp
Classification: Uncertain significance for Tuberous sclerosis 2. Last evaluated: 2023-05-18. Review status: criteria provided, single submitter. Criteria: Invitae Variant Classification Sherloc (09022015). Collection method: clinical testing. Allele origin: germline.
Comment: In summary, the available evidence is currently insufficient to determine the role of this variant in disease. Therefore, it has been classified as a Variant of Uncertain Significance. Advanced modeling of protein sequence and biophysical properties (such as structural, functional, and spatial information, amino acid conservation, physicochemical variation, residue mobility, and thermodynamic stability) performed at Invitae indicates that this missense variant is not expected to disrupt TSC2 protein function. This variant has not been reported in the literature in individuals affected with TSC2-related conditions. This variant is not present in population databases (gnomAD no frequency). This sequence change replaces lysine, which is basic and polar, with methionine, which is neutral and non-polar, at codon 144 of the TSC2 protein (p.Lys144Met).

GeneDx
Classification: Uncertain significance. Last evaluated: 2022-11-10. Review status: criteria provided, single submitter. Criteria: GeneDx Variant Classification Process June 2021. Collection method: clinical testing. Allele origin: germline. Affected: yes.
Comment: Not observed at significant frequency in large population cohorts (gnomAD); In silico analysis supports that this missense variant has a deleterious effect on protein structure/function; Has not been previously published as pathogenic or benign to our knowledge; This variant is associated with the following publications: (PMID: 18466115)